The following is an entry in ClinVar:

NM_003611.3(OFD1):c.2227A>G (p.Lys743Glu)

Gene: OFD1 (OFD1 centriole and centriolar satellite protein; plus strand). Cytogenetic location: Xp22.2.
Variant type: single nucleotide variant.
Coding change: c.2227A>G on transcript NM_003611.3 (MANE Select); coding-DNA position 2227, A replaced by G.
Protein change: p.Lys743Glu; replaces lysine 743 with glutamic acid.
Molecular consequence: missense variant.
Genome position (GRCh38, 1-based): chrX:13,760,687, A>G. VCF-style: chrX-13760687-A-G. GRCh37 (hg19) VCF-style: chrX-13778806-A-G.
Other names: c.2107A>G, p.Lys703Glu (NM_001330209.2); c.1807A>G, p.Lys603Glu (NM_001330210.2); short protein forms K603E, K703E, K743E.
Identifiers: ClinVar variation 2163274 (VCV002163274.27), dbSNP rs2047893767, ClinGen allele CA412344776.
Genomic context (GRCh38, chrX:13,760,687, plus strand): 5'-TCGAGGCTCCGCGGGGGCACTTCCTCCAGACGCCTCTCTTCCACACCCCTTCCAAAAGCA[A>G]AAAGAAGCCTCGAAAGTGAAATGTATCTGGAAGGTAAGCCACCCGCACAAAGGGTTGCGG-3'
Protein context (NP_003602.1, residues 733-753): RLSSTPLPKA[Lys743Glu]RSLESEMYLE

ClinVar aggregate classification (germline): Uncertain significance. Review status: criteria provided, multiple submitters, no conflicts (2 of 4 stars). 2 submissions from 2 submitters: Uncertain significance (2). Last evaluated 2023-11-01.

Conditions:
Joubert syndrome. Also called: Familial aplasia of the vermis; JOUBERT-BOLTSHAUSER SYNDROME. Identifiers: Orphanet 475, MedGen C5979921, MONDO:0018772.
Orofaciodigital syndrome I (OFD1). Also called: OFDS I; Oral-Facial-Digital Syndrome Type I; Papillon-Leage and Psaume Syndrome. Identifiers: Orphanet 2750, MedGen C1510460, MONDO:0010702, OMIM 311200.

Allele frequency attached by ClinVar (database versions not stated): TOPMed below 0.00001.

Submissions (2):

CeGaT Center for Human Genetics Tuebingen
Classification: Uncertain significance. Last evaluated: 2023-11-01. Review status: criteria provided, single submitter. Criteria: CeGaT Center For Human Genetics Tuebingen Variant Classification Criteria Version 2. Collection method: clinical testing. Allele origin: germline. Affected: yes. Observed: 1 variant allele.
Comment: OFD1: PM2

Labcorp Genetics (formerly Invitae), Labcorp
Classification: Uncertain significance for Orofaciodigital syndrome I; Joubert syndrome. Last evaluated: 2022-02-23. Review status: criteria provided, single submitter. Criteria: Invitae Variant Classification Sherloc (09022015). Collection method: clinical testing. Allele origin: germline.
Comment: In summary, the available evidence is currently insufficient to determine the role of this variant in disease. Therefore, it has been classified as a Variant of Uncertain Significance. Algorithms developed to predict the effect of sequence changes on RNA splicing suggest that this variant may create or strengthen a splice site. Algorithms developed to predict the effect of missense changes on protein structure and function are either unavailable or do not agree on the potential impact of this missense change (SIFT: "Tolerated"; PolyPhen-2: "Possibly Damaging"; Align-GVGD: "Class C0"). This variant has not been reported in the literature in individuals affected with OFD1-related conditions. This variant is not present in population databases (gnomAD no frequency). This sequence change replaces lysine, which is basic and polar, with glutamic acid, which is acidic and polar, at codon 743 of the OFD1 protein (p.Lys743Glu).